The following is an entry in ClinVar:

ClinVar aggregate classification (germline): Uncertain significance (1 of 4 stars; one submission).

Allele frequency attached by ClinVar (database versions not stated): TOPMed below 0.00001; gnomAD exomes 0.00001.
gnomAD v4.1: 8 of 1,613,874 alleles (0.0005%); highest among the groups gnomAD compares: East Asian, 0.0022%; no homozygotes.

Submission:

Labcorp Genetics (formerly Invitae), Labcorp
Classification: Uncertain significance. Last evaluated: 2022-04-01. Review status: criteria provided, single submitter. Criteria: Invitae Variant Classification Sherloc (09022015). Collection method: clinical testing. Allele origin: germline.
Comment: In summary, the available evidence is currently insufficient to determine the role of this variant in disease. Therefore, it has been classified as a Variant of Uncertain Significance. Algorithms developed to predict the effect of missense changes on protein structure and function are either unavailable or do not agree on the potential impact of this missense change (SIFT: "Deleterious"; PolyPhen-2: "Benign"; Align-GVGD: "Class C55"). This variant has not been reported in the literature in individuals affected with LRP6-related conditions. This variant is not present in population databases (gnomAD no frequency). This sequence change replaces glutamic acid, which is acidic and polar, with lysine, which is basic and polar, at codon 759 of the LRP6 protein (p.Glu759Lys).

NM_002336.3(LRP6):c.2275G>A (p.Glu759Lys)

Gene: LRP6 (LDL receptor related protein 6; minus strand). Cytogenetic location: 12p13.2.
Variant type: single nucleotide variant.
Coding change: c.2275G>A on transcript NM_002336.3 (MANE Select); coding-DNA position 2275, G replaced by A.
Protein change: p.Glu759Lys; replaces glutamic acid 759 with lysine.
Molecular consequence: missense variant.
Genome position (GRCh38, 1-based): chr12:12,162,197, C>T on the plus strand (G>A on the coding strand, the complement: LRP6 is on the minus strand). VCF-style: chr12-12162197-C-T. GRCh37 (hg19) VCF-style: chr12-12315131-C-T.
Other names: c.2275G>A, p.Glu759Lys (NM_001414244.1, NM_001414245.1, NM_001414246.1 and 4 more transcripts); c.2077G>A, p.Glu693Lys (NM_001414247.1); c.1822G>A, p.Glu608Lys (NM_001414252.1, NM_001414253.1, NM_001414254.1); c.1768G>A, p.Glu590Lys (NM_001414255.1); short protein forms E608K, E590K, E693K, E759K.
Identifiers: ClinVar variation 1973273 (VCV001973273.5), dbSNP rs1862757765, ClinGen allele CA383945145.